The following is an entry in ClinVar:

NM_013266.4(CTNNA3):c.2001G>T (p.Glu667Asp)

Gene: CTNNA3 (catenin alpha 3; minus strand). Cytogenetic location: 10q21.3.
Variant type: single nucleotide variant.
Coding change: c.2001G>T on transcript NM_013266.4 (MANE Select); coding-DNA position 2001, G replaced by T.
Protein change: p.Glu667Asp; replaces glutamic acid 667 with aspartic acid.
Molecular consequence: missense variant.
Genome position (GRCh38, 1-based): chr10:66,069,466, C>A on the plus strand (G>T on the coding strand, the complement: CTNNA3 is on the minus strand). VCF-style: chr10-66069466-C-A. GRCh37 (hg19) VCF-style: chr10-67829224-C-A.
Other names: c.2001G>T, p.Glu667Asp (NM_001127384.3); short protein forms E667D.
Identifiers: ClinVar variation 4804307 (VCV004804307.1).

ClinVar aggregate classification (germline): Uncertain significance (1 of 4 stars; one submission).

Conditions:
Arrhythmogenic right ventricular dysplasia 13. Also called: ARRHYTHMOGENIC RIGHT VENTRICULAR CARDIOMYOPATHY 13; Arrhythmogenic right ventricular dysplasia, familial, 13. Identifiers: MedGen C3810138, MONDO:0000908, OMIM 615616.

gnomAD v4.1: 19 of 1,612,468 alleles (0.0012%); highest among the groups gnomAD compares: Admixed American, 0.01%; no homozygotes.

Submission:

Labcorp Genetics (formerly Invitae), Labcorp
Classification: Uncertain significance for Arrhythmogenic right ventricular dysplasia 13. Last evaluated: 2025-11-20. Review status: criteria provided, single submitter. Criteria: Invitae Variant Classification Sherloc (09022015). Collection method: clinical testing. Allele origin: germline.
Comment: This sequence change replaces glutamic acid, which is acidic and polar, with aspartic acid, which is acidic and polar, at codon 667 of the CTNNA3 protein (p.Glu667Asp). This variant is present in population databases (rs774256578, gnomAD 0.003%). This variant has not been reported in the literature in individuals affected with CTNNA3-related conditions. Invitae Evidence Modeling of protein sequence and biophysical properties (such as structural, functional, and spatial information, amino acid conservation, physicochemical variation, residue mobility, and thermodynamic stability) indicates that this missense variant is not expected to disrupt CTNNA3 protein function with a negative predictive value of 80%. In summary, the available evidence is currently insufficient to determine the role of this variant in disease. Therefore, it has been classified as a Variant of Uncertain Significance.